The following is an entry in ClinVar:

ClinVar aggregate classification (germline): Pathogenic (1 of 4 stars; one submission).

Submission:

Labcorp Genetics (formerly Invitae), Labcorp
Classification: Pathogenic. Last evaluated: 2025-04-11. Review status: criteria provided, single submitter. Criteria: Invitae Variant Classification Sherloc (09022015). Collection method: clinical testing. Allele origin: germline.
Comment: This sequence change creates a premature translational stop signal (p.Glu311Asnfs*10) in the SERPING1 gene. It is expected to result in an absent or disrupted protein product. Loss-of-function variants in SERPING1 are known to be pathogenic (PMID: 11112899, 24456027). This variant is not present in population databases (gnomAD no frequency). This variant has not been reported in the literature in individuals affected with SERPING1-related conditions. For these reasons, this variant has been classified as Pathogenic.

Literature cited by the submitters: PubMed 11112899; PubMed 24456027.

NM_000062.3(SERPING1):c.931del (p.Glu311fs)

Gene: SERPING1 (serpin family G member 1; plus strand). Cytogenetic location: 11q12.1.
Variant type: Deletion.
Coding change: c.931del on transcript NM_000062.3 (MANE Select); coding-DNA position 931, one base deleted (G; older notation c.931delG).
Protein change: p.Glu311fs; shifts the reading frame from glutamic acid 311.
Molecular consequence: frameshift variant.
Genome position (GRCh38, 1-based): chr11:57,606,449, G deleted; the last of 2 consecutive G bases (chr11:57,606,448-57,606,449); deleting either gives the same sequence. VCF-style (leftmost placement, unchanged base first): chr11-57606447-TG-T. GRCh37 (hg19) VCF-style: chr11-57373920-TG-T.
Other names: c.931del, p.Glu311fs (NM_001032295.2); short protein forms E311fs.
Identifiers: ClinVar variation 4717356 (VCV004717356.1).